The following is an entry in ClinVar:

ClinVar aggregate classification (germline): Uncertain significance (1 of 4 stars; one submission).

Conditions:
Familial thoracic aortic aneurysm and aortic dissection (TAAD). Also called: Thoracic aortic aneurysms and dissections. Identifiers: Orphanet 91387, MedGen C4707243, MONDO:0019625.

Allele frequency attached by ClinVar (database versions not stated): gnomAD exomes below 0.00001; gnomAD 0.00001.
gnomAD v4.1: 6 of 1,568,674 alleles (0.00038%); highest among the groups gnomAD compares: East Asian, 0.0024%; no homozygotes.

Submission:

Ambry Genetics
Classification: Uncertain significance for Familial thoracic aortic aneurysm and aortic dissection. Last evaluated: 2022-04-03. Review status: criteria provided, single submitter. Criteria: Ambry Variant Classification Scheme 2023. Collection method: clinical testing. Allele origin: germline.
Comment: The p.Q803R variant (also known as c.2408A>G), located in coding exon 15 of the NOTCH1 gene, results from an A to G substitution at nucleotide position 2408. The glutamine at codon 803 is replaced by arginine, an amino acid with highly similar properties. This amino acid position is conserved. In addition, this alteration is predicted to be tolerated by in silico analysis. Since supporting evidence is limited at this time, the clinical significance of this alteration remains unclear.

NM_017617.5(NOTCH1):c.2408A>G (p.Gln803Arg)

Gene: NOTCH1 (notch receptor 1; minus strand). Cytogenetic location: 9q34.3.
Variant type: single nucleotide variant.
Coding change: c.2408A>G on transcript NM_017617.5 (MANE Select); coding-DNA position 2408, A replaced by G.
Protein change: p.Gln803Arg; replaces glutamine 803 with arginine.
Molecular consequence: missense variant.
Genome position (GRCh38, 1-based): chr9:136,513,080, T>C on the plus strand (A>G on the coding strand, the complement: NOTCH1 is on the minus strand). VCF-style: chr9-136513080-T-C. GRCh37 (hg19) VCF-style: chr9-139407532-T-C.
Other names: short protein forms Q803R.
Identifiers: ClinVar variation 1790825 (VCV001790825.2), dbSNP rs1589064343, ClinGen allele CA375556533.